The following is an entry in ClinVar:

NM_152703.5(SAMD9L):c.1672G>A (p.Asp558Asn)

Gene: SAMD9L (sterile alpha motif domain containing 9 like; minus strand). Cytogenetic location: 7q21.2.
Variant type: single nucleotide variant.
Coding change: c.1672G>A on transcript NM_152703.5 (MANE Select); coding-DNA position 1672, G replaced by A.
Protein change: p.Asp558Asn; replaces aspartic acid 558 with asparagine.
Molecular consequence: missense variant.
Genome position (GRCh38, 1-based): chr7:93,134,300, C>T on the plus strand (G>A on the coding strand, the complement: SAMD9L is on the minus strand). VCF-style: chr7-93134300-C-T. GRCh37 (hg19) VCF-style: chr7-92763613-C-T.
Other names: c.1672G>A, p.Asp558Asn (NM_001303496.3, NM_001303497.3, NM_001303498.3 and 5 more transcripts); short protein forms D558N.
Identifiers: ClinVar variation 3437227 (VCV003437227.3).

ClinVar aggregate classification (germline): Conflicting classifications of pathogenicity. Review status: criteria provided, conflicting classifications (1 of 4 stars). 3 submissions from 3 submitters: Uncertain significance (2); Likely benign (1). Last evaluated 2025-11-06.

Conditions:
Inborn genetic diseases. Identifiers: MedGen C0950123, MeSH D030342.

Submissions (3):

Women's Health and Genetics/Laboratory Corporation of America, LabCorp
Classification: Uncertain significance. Last evaluated: 2025-11-06. Review status: criteria provided, single submitter. Criteria: LabCorp Variant Classification Summary - May 2015. Collection method: clinical testing. Allele origin: germline.
Comment: Variant summary: SAMD9L c.1672G>A (p.Asp558Asn) results in a conservative amino acid change in the encoded protein sequence. Algorithms developed to predict the effect of missense changes on protein structure and function are either unavailable or do not agree on the potential impact of this missense change. The variant allele was found at a frequency of 8e-06 in 248862 control chromosomes. The available data on variant occurrences in the general population are insufficient to allow any conclusion about variant significance. To our knowledge, no occurrence of c.1672G>A in individuals affected with SAMD9L-related conditions and no experimental evidence demonstrating its impact on protein function have been reported. ClinVar contains an entry for this variant (Variation ID: 3437227). Based on the evidence outlined above, the variant was classified as uncertain significance.

Ambry Genetics
Classification: Uncertain significance for Inborn genetic diseases. Last evaluated: 2024-12-06. Review status: criteria provided, single submitter. Criteria: Ambry Variant Classification Scheme 2023. Collection method: clinical testing. Allele origin: germline.
Comment: The p.D558N variant (also known as c.1672G>A), located in coding exon 1 of the SAMD9L gene, results from a G to A substitution at nucleotide position 1672. The aspartic acid at codon 558 is replaced by asparagine, an amino acid with highly similar properties. This amino acid position is conserved. In addition, this alteration is predicted to be tolerated by in silico analysis. Based on the available evidence, the clinical significance of this variant remains unclear.

Blueprint Genetics
Classification: Likely benign. Last evaluated: 2024-07-02. Review status: criteria provided, single submitter. Criteria: ACMG Guidelines, 2015. Collection method: clinical testing. Allele origin: germline.